The following is an entry in ClinVar:

ClinVar aggregate classification (germline): Uncertain significance. Review status: criteria provided, multiple submitters, no conflicts (2 of 4 stars). 2 submissions from 2 submitters: Uncertain significance (2). Last evaluated 2024-04-25.

Conditions:
Retinitis pigmentosa 33 (RP33). Identifiers: Orphanet 791, MedGen C1835895, MONDO:0012477, OMIM 610359.

gnomAD v4.1: 2 of 1,613,432 alleles (0.00012%); highest among the groups gnomAD compares: Non-Finnish European, 0.00017%; no homozygotes.

Submissions (2):

Labcorp Genetics (formerly Invitae), Labcorp
Classification: Uncertain significance. Last evaluated: 2024-04-25. Review status: criteria provided, single submitter. Criteria: Invitae Variant Classification Sherloc (09022015). Collection method: clinical testing. Allele origin: germline.
Comment: This sequence change replaces glutamic acid, which is acidic and polar, with glycine, which is neutral and non-polar, at codon 210 of the SNRNP200 protein (p.Glu210Gly). This variant is not present in population databases (gnomAD no frequency). This variant has not been reported in the literature in individuals affected with SNRNP200-related conditions. ClinVar contains an entry for this variant (Variation ID: 930975). An algorithm developed to predict the effect of missense changes on protein structure and function (PolyPhen-2) suggests that this variant is likely to be tolerated. In summary, the available evidence is currently insufficient to determine the role of this variant in disease. Therefore, it has been classified as a Variant of Uncertain Significance.

Centre for Mendelian Genomics, University Medical Centre Ljubljana
Classification: Uncertain significance for Retinitis pigmentosa 33. Last evaluated: 2020-03-21. Review status: criteria provided, single submitter. Criteria: ACMG Guidelines, 2015. Collection method: clinical testing. Allele origin: unknown. Affected: yes.
Comment: This variant was classified as: Uncertain significance. The available evidence on this variant's pathogenicity is insufficient or conflicting. The following ACMG criteria were applied in classifying this variant: PM2.

NM_014014.5(SNRNP200):c.629A>G (p.Glu210Gly)

Gene: SNRNP200 (small nuclear ribonucleoprotein U5 subunit 200; minus strand). Cytogenetic location: 2q11.2.
Variant type: single nucleotide variant.
Coding change: c.629A>G on transcript NM_014014.5 (MANE Select); coding-DNA position 629, A replaced by G.
Protein change: p.Glu210Gly; replaces glutamic acid 210 with glycine.
Molecular consequence: missense variant.
Genome position (GRCh38, 1-based): chr2:96,300,999, T>C on the plus strand (A>G on the coding strand, the complement: SNRNP200 is on the minus strand). VCF-style: chr2-96300999-T-C. GRCh37 (hg19) VCF-style: chr2-96966737-T-C.
Other names: short protein forms E210G.
Identifiers: ClinVar variation 930975 (VCV000930975.5), dbSNP rs995570532, ClinGen allele CA52406167.